The following is an entry in ClinVar:

NM_138387.4(G6PC3):c.1030C>T (p.His344Tyr)

Gene: G6PC3 (glucose-6-phosphatase catalytic subunit 3; plus strand). Cytogenetic location: 17q21.31.
Variant type: single nucleotide variant.
Coding change: c.1030C>T on transcript NM_138387.4 (MANE Select); coding-DNA position 1030, C replaced by T.
Protein change: p.His344Tyr; replaces histidine 344 with tyrosine.
Molecular consequence: missense variant. On other transcripts: 3 prime UTR variant (1).
Genome position (GRCh38, 1-based): chr17:44,076,032, C>T. VCF-style: chr17-44076032-C-T. GRCh37 (hg19) VCF-style: chr17-42153400-C-T.
Other names: c.*323C>T (NM_001319945.2); c.685C>T, p.His229Tyr (NM_001384165.1, NM_001384166.1, NM_001384167.1 and 1 more transcripts); short protein forms H229Y, H344Y.
Identifiers: ClinVar variation 1336708 (VCV001336708.9), dbSNP rs1347079621, ClinGen allele CA399730165.
Genomic context (GRCh38, chr17:44,076,032, plus strand): 5'-GTCCTGGCCCTCGTGCCCTGGGCAGTGCACATGTTCAGTGCCCAGGAAGCACCGCCCATC[C>T]ACTCTTCCTGACTTCTTGTGTGCCTCCCTTTCCTTTCCCTCCCACAAAGCCAACACTCTG-3'
Protein context (NP_612396.1, residues 334-346): MFSAQEAPPI[His344Tyr]SS

ClinVar aggregate classification (germline): Uncertain significance. Review status: criteria provided, multiple submitters, no conflicts (2 of 4 stars). 3 submissions from 3 submitters: Uncertain significance (3). Last evaluated 2025-02-25.

Conditions:
Inborn genetic diseases. Identifiers: MedGen C0950123, MeSH D030342.
Autosomal recessive severe congenital neutropenia due to G6PC3 deficiency. Also called: G6PC3 Deficiency; NEUTROPENIA, SEVERE CONGENITAL, 4, AUTOSOMAL RECESSIVE. Identifiers: Orphanet 331176, MedGen C2751630, MONDO:0012930, OMIM 612541.

Allele frequency attached by ClinVar (database versions not stated): 1000 Genomes Project 30x 0.00016; gnomAD exomes below 0.00001; gnomAD 0.00001; TOPMed 0.00001.
gnomAD v4.1: 7 of 1,612,866 alleles (0.00043%); highest among the groups gnomAD compares: Non-Finnish European, 0.00059%; no homozygotes.

Submissions (3):

Ambry Genetics
Classification: Uncertain significance for Inborn genetic diseases. Last evaluated: 2025-02-25. Review status: criteria provided, single submitter. Criteria: Ambry Variant Classification Scheme 2023. Collection method: clinical testing. Allele origin: germline.
Comment: The p.H344Y variant (also known as c.1030C>T), located in coding exon 6 of the G6PC3 gene, results from a C to T substitution at nucleotide position 1030. The histidine at codon 344 is replaced by tyrosine, an amino acid with similar properties. This amino acid position is conserved. In addition, this alteration is predicted to be tolerated by in silico analysis. Based on the available evidence, the clinical significance of this variant remains unclear.

Labcorp Genetics (formerly Invitae), Labcorp
Classification: Uncertain significance for Autosomal recessive severe congenital neutropenia due to G6PC3 deficiency. Last evaluated: 2022-08-15. Review status: criteria provided, single submitter. Criteria: Invitae Variant Classification Sherloc (09022015). Collection method: clinical testing. Allele origin: germline.
Comment: This sequence change replaces histidine, which is basic and polar, with tyrosine, which is neutral and polar, at codon 344 of the G6PC3 protein (p.His344Tyr). The frequency data for this variant in the population databases is considered unreliable, as metrics indicate poor data quality at this position in the gnomAD database. This variant has not been reported in the literature in individuals affected with G6PC3-related conditions. ClinVar contains an entry for this variant (Variation ID: 1336708). Algorithms developed to predict the effect of missense changes on protein structure and function (SIFT, PolyPhen-2, Align-GVGD) all suggest that this variant is likely to be tolerated. In summary, the available evidence is currently insufficient to determine the role of this variant in disease. Therefore, it has been classified as a Variant of Uncertain Significance.

Genetic Services Laboratory, University of Chicago
Classification: Uncertain significance. Last evaluated: 2018-05-14. Review status: criteria provided, single submitter. Criteria: ACMG Guidelines, 2015. Collection method: clinical testing. Allele origin: germline. Affected: no.